The following is an entry in ClinVar:

ClinVar aggregate classification (germline): Pathogenic (1 of 4 stars; one submission).

Submission:

GeneDx
Classification: Pathogenic. Last evaluated: 2018-05-07. Review status: criteria provided, single submitter. Criteria: GeneDx Variant Classification (06012015). Collection method: clinical testing. Allele origin: germline. Affected: yes.
Comment: The c.260-1G>A variant in the GMPPB gene has not been reported previously as a pathogenic variant nor as a benign polymorphism, to our knowledge. The c.260-1G>A variant was not observed in approximately 6,500 individuals of European and African American ancestry in the NHLBI Exome Sequencing Project, indicating it is not a common variant in these populations. This splice site variant destroys the canonical splice acceptor site in intron 3. It is predicted to cause abnormal gene splicing, either leading to an abnormal message that is subject to nonsense-mediated mRNA decay, or to an abnormal protein product if the message is used for protein translation. We interpret c.260-1G>A as a pathogenic variant.

NM_021971.4(GMPPB):c.260-1G>A

Gene: GMPPB (GDP-mannose pyrophosphorylase B; minus strand). Cytogenetic location: 3p21.31.
Variant type: single nucleotide variant.
Coding change: c.260-1G>A on transcript NM_021971.4 (MANE Select); the canonical splice acceptor site of the intron before coding-DNA position 260, G replaced by A.
Molecular consequence: splice acceptor variant.
Genome position (GRCh38, 1-based): chr3:49,723,115, C>T on the plus strand (G>A on the coding strand, the complement: GMPPB is on the minus strand). VCF-style: chr3-49723115-C-T. GRCh37 (hg19) VCF-style: chr3-49760548-C-T.
Other names: c.260-1G>A (NM_013334.4).
Identifiers: ClinVar variation 265184 (VCV000265184.2), dbSNP rs886039382, ClinGen allele CA10588370.